The following is an entry in ClinVar:

NM_006218.4(PIK3CA):c.1404+6G>A

Gene: PIK3CA (phosphatidylinositol-4,5-bisphosphate 3-kinase catalytic subunit alpha; plus strand). Cytogenetic location: 3q26.32.
Variant type: single nucleotide variant.
Coding change: c.1404+6G>A on transcript NM_006218.4 (MANE Select); 6 bases into the intron after coding-DNA position 1404, G replaced by A.
Molecular consequence: intron variant.
Genome position (GRCh38, 1-based): chr3:179,210,344, G>A. VCF-style: chr3-179210344-G-A. GRCh37 (hg19) VCF-style: chr3-178928132-G-A.
Identifiers: ClinVar variation 2165207 (VCV002165207.4), dbSNP rs2473511584, ClinGen allele CA2580069093.

ClinVar aggregate classification (germline): Uncertain significance (1 of 4 stars; one submission).

Conditions:
Cowden syndrome (CS). Also called: Cowden's disease; Cowden's syndrome; Cowden disease. Identifiers: Orphanet 201, MedGen C0018553, MONDO:0016063. Disease mechanism: gain of function.

Allele frequency attached by ClinVar (database versions not stated): gnomAD exomes below 0.00001.
gnomAD v4.1: 3 of 1,584,660 alleles (0.00019%); highest among the groups gnomAD compares: South Asian, 0.0035%; no homozygotes.

Submission:

Labcorp Genetics (formerly Invitae), Labcorp
Classification: Uncertain significance for Cowden syndrome. Last evaluated: 2023-08-04. Review status: criteria provided, single submitter. Criteria: Invitae Variant Classification Sherloc (09022015). Collection method: clinical testing. Allele origin: germline.
Comment: This sequence change falls in intron 8 of the PIK3CA gene. It does not directly change the encoded amino acid sequence of the PIK3CA protein. It affects a nucleotide within the consensus splice site. This variant is not present in population databases (gnomAD no frequency). This variant has not been reported in the literature in individuals affected with PIK3CA-related conditions. ClinVar contains an entry for this variant (Variation ID: 2165207). Variants that disrupt the consensus splice site are a relatively common cause of aberrant splicing (PMID: 17576681, 9536098). Algorithms developed to predict the effect of sequence changes on RNA splicing suggest that this variant is not likely to affect RNA splicing. In summary, the available evidence is currently insufficient to determine the role of this variant in disease. Therefore, it has been classified as a Variant of Uncertain Significance.

Literature cited by the submitters: PubMed 17576681; PubMed 9536098.